The following is an entry in ClinVar:

NM_206933.4(USH2A):c.1346G>T (p.Arg449Leu)

Gene: USH2A (usherin; minus strand). Cytogenetic location: 1q41.
Variant type: single nucleotide variant.
Coding change: c.1346G>T on transcript NM_206933.4 (MANE Select); coding-DNA position 1346, G replaced by T.
Protein change: p.Arg449Leu; replaces arginine 449 with leucine.
Molecular consequence: missense variant.
Genome position (GRCh38, 1-based): chr1:216,323,678, C>A on the plus strand (G>T on the coding strand, the complement: USH2A is on the minus strand). VCF-style: chr1-216323678-C-A. GRCh37 (hg19) VCF-style: chr1-216497020-C-A.
Other names: c.1346G>T, p.Arg449Leu (NM_007123.6); short protein forms R449L.
Identifiers: ClinVar variation 1677086 (VCV001677086.1), dbSNP rs766715882, ClinGen allele CA344910399.

ClinVar aggregate classification (germline): Uncertain significance (1 of 4 stars; one submission).

gnomAD v4.1: 2 of 1,613,182 alleles (0.00012%); highest among the groups gnomAD compares: African/African-American, 0.0027%; no homozygotes.

Submission:

Women's Health and Genetics/Laboratory Corporation of America, LabCorp
Classification: Uncertain significance. Last evaluated: 2022-03-10. Review status: criteria provided, single submitter. Criteria: LabCorp Variant Classification Summary - May 2015. Collection method: clinical testing. Allele origin: germline.
Comment: Variant summary: USH2A c.1346G>T (p.Arg449Leu) results in a non-conservative amino acid change located in the Laminin, N-terminal domain (IPR008211) of the encoded protein sequence. Three of five in-silico tools predict a benign effect of the variant on protein function. The variant was absent in 250226 control chromosomes. The available data on variant occurrences in the general population are insufficient to allow any conclusion about variant significance. c.1346G>T has been reported in the literature as a non-informative genotype (second allele not specified) in at-least one individual from a cohort of probands with a clinical diagnosis of Usher syndrome undergoing comprehensive sequencing/molecular analysis (example, Sun_2018). These report(s) do not provide unequivocal conclusions about association of the variant with Usher Syndrome. To our knowledge, no experimental evidence demonstrating an impact on protein function has been reported. No clinical diagnostic laboratories have submitted clinical-significance assessments for this variant to ClinVar after 2014. Based on the evidence outlined above, the variant was classified as uncertain significance.

Literature cited by the submitters: PubMed 29625443.